The following is an entry in ClinVar:

NM_000122.2(ERCC3):c.254T>G (p.Phe85Cys)

Gene: ERCC3 (ERCC excision repair 3, TFIIH core complex helicase subunit; minus strand). Cytogenetic location: 2q14.3.
Variant type: single nucleotide variant.
Coding change: c.254T>G on transcript NM_000122.2 (MANE Select); coding-DNA position 254, T replaced by G.
Protein change: p.Phe85Cys; replaces phenylalanine 85 with cysteine.
Molecular consequence: missense variant.
Genome position (GRCh38, 1-based): chr2:127,292,827, A>C on the plus strand (T>G on the coding strand, the complement: ERCC3 is on the minus strand). VCF-style: chr2-127292827-A-C. GRCh37 (hg19) VCF-style: chr2-128050403-A-C.
Other names: c.62T>G, p.Phe21Cys (NM_001303416.2, NM_001303418.2); short protein forms F85C, F21C.
Identifiers: ClinVar variation 331094 (VCV000331094.10), dbSNP rs767507847, ClinGen allele CA1858579.
Genomic context (GRCh38, chr2:127,292,827, plus strand): 5'-TCTGCAATAGCCACCAAGAAGTCTTGGGCATATTTGTAAACTGGAGAGAAGGCTTCCAAG[A>C]AGATATGGCCATCGGGAGCCTGAGAGATACCAAATGGACAAAACAGACAAGGAAACATGA-3'
Protein context (NP_000113.1, residues 75-95): PLWVAPDGHI[Phe85Cys]LEAFSPVYKY

ClinVar aggregate classification (germline): Uncertain significance. Review status: criteria provided, multiple submitters, no conflicts (2 of 4 stars). 4 submissions from 4 submitters: Uncertain significance (4). Last evaluated 2024-09-05.

Conditions:
Inborn genetic diseases. Identifiers: MedGen C0950123, MeSH D030342.
Xeroderma pigmentosum group B. Also called: XPB/CS; XERODERMA PIGMENTOSUM B/COCKAYNE SYNDROME; ERCC3-Related Xeroderma Pigmentosum; XP, GROUP B. Identifiers: MedGen C0268136, MONDO:0012531, OMIM 610651.

Allele frequency attached by ClinVar (database versions not stated): gnomAD exomes below 0.00001 and 0.00001; ExAC 0.00001; gnomAD 0.00007; TOPMed 0.00017.
gnomAD v4.1: 24 of 1,612,604 alleles (0.0015%); highest among the groups gnomAD compares: Admixed American, 0.018%; no homozygotes.

Submissions (4):

Ambry Genetics
Classification: Uncertain significance for Inborn genetic diseases. Last evaluated: 2024-09-05. Review status: criteria provided, single submitter. Criteria: Ambry Variant Classification Scheme 2023. Collection method: clinical testing. Allele origin: germline.

Labcorp Genetics (formerly Invitae), Labcorp
Classification: Uncertain significance. Last evaluated: 2023-05-23. Review status: criteria provided, single submitter. Criteria: Invitae Variant Classification Sherloc (09022015). Collection method: clinical testing. Allele origin: germline.
Comment: In summary, the available evidence is currently insufficient to determine the role of this variant in disease. Therefore, it has been classified as a Variant of Uncertain Significance. Advanced modeling of protein sequence and biophysical properties (such as structural, functional, and spatial information, amino acid conservation, physicochemical variation, residue mobility, and thermodynamic stability) performed at Invitae indicates that this missense variant is expected to disrupt ERCC3 protein function. ClinVar contains an entry for this variant (Variation ID: 331094). This variant has not been reported in the literature in individuals affected with ERCC3-related conditions. This variant is present in population databases (rs767507847, gnomAD 0.0009%). This sequence change replaces phenylalanine, which is neutral and non-polar, with cysteine, which is neutral and slightly polar, at codon 85 of the ERCC3 protein (p.Phe85Cys).

GeneDx
Classification: Uncertain significance. Last evaluated: 2022-11-15. Review status: criteria provided, single submitter. Criteria: GeneDx Variant Classification Process June 2021. Collection method: clinical testing. Allele origin: germline. Affected: yes.
Comment: Has not been previously published as pathogenic or benign to our knowledge; Not observed at significant frequency in large population cohorts (gnomAD); In silico analysis supports that this missense variant has a deleterious effect on protein structure/function

Illumina Laboratory Services, Illumina
Classification: Uncertain significance for Xeroderma pigmentosum group B. Last evaluated: 2018-01-13. Review status: criteria provided, single submitter. Criteria: ICSL Variant Classification Criteria 13 December 2019. Collection method: clinical testing. Allele origin: germline.